The following is an entry in ClinVar:

NM_170784.3(MKKS):c.-349A>G

Genes: MKKS (MKKS centrosomal shuttling protein; minus strand), LOC128706665 (uncharacterized LOC128706665; minus strand), LOC128706666 (uncharacterized LOC128706666; minus strand). Cytogenetic location: 20p12.2.
Variant type: single nucleotide variant.
Coding change: c.-349A>G on transcript NM_170784.3 (MANE Select); 349 bases upstream of the start codon, A replaced by G.
Molecular consequence: 5 prime UTR variant. On other transcripts: 3 prime UTR variant (1), missense variant (1).
Genome position (GRCh38, 1-based): chr20:10,413,863, T>C on the plus strand (A>G on the coding strand, the complement: MKKS is on the minus strand). VCF-style: chr20-10413863-T-C. GRCh37 (hg19) VCF-style: chr20-10394511-T-C.
Other names: c.*87A>G (NM_001394148.2); c.25A>G, p.Lys9Glu (NM_001394149.2); c.-349A>G (NM_018848.3); short protein forms K9E.
Identifiers: ClinVar variation 337700 (VCV000337700.6), dbSNP rs140884406, ClinGen allele CA10649336.
Genomic context (GRCh38, chr20:10,413,863, plus strand): 5'-AAAAGTATGTTCCAAGATGGACACCTATGAAAGATATCCCAGCTACAAGAAGCCAGTTCT[T>C]TCTAATCCAACTGGTATTTTTCATCTCTTCTTTCGATATGAAGCTCAGATTCAAAGCTGC-3'

ClinVar aggregate classification (germline): Likely benign. Review status: criteria provided, multiple submitters, no conflicts (2 of 4 stars). 3 submissions from 2 submitters: Likely benign (3). Last evaluated 2018-01-13.

Conditions:
Bardet-Biedl syndrome 6 (BBS6). Identifiers: Orphanet 110, MedGen C1858054, MONDO:0011523, OMIM 605231.
McKusick-Kaufman syndrome (MKKS). Also called: HYDROMETROCOLPOS SYNDROME; HYDROMETROCOLPOS, POSTAXIAL POLYDACTYLY, AND CONGENITAL HEART MALFORMATION. Identifiers: Orphanet 2473, MedGen C0948368, MONDO:0009367, OMIM 236700.

Allele frequency attached by ClinVar (database versions not stated): gnomAD exomes 0.00045; gnomAD 0.00338 and 0.00358; 1000 Genomes Project 30x 0.00344; 1000 Genomes Project 0.00359; TOPMed 0.00370.
gnomAD v4.1: 656 of 437,054 alleles (0.15%); highest among the groups gnomAD compares: African/African-American, 1.1%; 2 homozygotes.

Submissions (3):

Illumina Laboratory Services, Illumina
Classification: Likely benign for McKusick-Kaufman syndrome. Last evaluated: 2018-01-13. Review status: criteria provided, single submitter. Criteria: ICSL Variant Classification Criteria 13 December 2019. Collection method: clinical testing. Allele origin: germline.
Comment: This variant was observed in the ICSL laboratory as part of a predisposition screen in an ostensibly healthy population. It had not been previously curated by ICSL or reported in the Human Gene Mutation Database (HGMD: prior to June 1st, 2018), and was therefore a candidate for classification through an automated scoring system. Utilizing variant allele frequency, disease prevalence and penetrance estimates, and inheritance mode, an automated score was calculated to assess if this variant is too frequent to cause the disease. Based on the score and internal cut-off values, a variant classified as likely benign is not then subjected to further curation. The score for this variant resulted in a classification of likely benign for this disease.

Illumina Laboratory Services, Illumina
Classification: Likely benign for Bardet-Biedl syndrome 6. Last evaluated: 2018-01-13. Review status: criteria provided, single submitter. Criteria: ICSL Variant Classification Criteria 13 December 2019. Collection method: clinical testing. Allele origin: germline.
Comment: the same text as in the submission from Illumina Laboratory Services, Illumina above.

Breakthrough Genomics
Classification: Likely benign. Review status: criteria provided, single submitter. Criteria: ACMG Guidelines, 2015. Collection method: not provided. Allele origin: germline. Inheritance: Autosomal recessive inheritance. Affected: yes.